The following is an entry in ClinVar:

NM_004429.5(EFNB1):c.271A>C (p.Thr91Pro)

Gene: EFNB1 (ephrin B1; plus strand). Cytogenetic location: Xq13.1.
Variant type: single nucleotide variant.
Coding change: c.271A>C on transcript NM_004429.5 (MANE Select); coding-DNA position 271, A replaced by C.
Protein change: p.Thr91Pro; replaces threonine 91 with proline.
Molecular consequence: missense variant.
Genome position (GRCh38, 1-based): chrX:68,838,759, A>C. VCF-style: chrX-68838759-A-C. GRCh37 (hg19) VCF-style: chrX-68058602-A-C.
Other names: short protein forms T91P.
Identifiers: ClinVar variation 374803 (VCV000374803.2), dbSNP rs1057519032, ClinGen allele CA16043922.
Genomic context (GRCh38, chrX:68,838,759, plus strand): 5'-CGGCCCTATGAGTACTACAAGCTGTACCTGGTGCGGCCTGAGCAGGCAGCTGCCTGTAGC[A>C]CAGTTCTCGACCCCAACGTGTTGGTCACCTGCAATAGGCCAGAGCAGGAAATACGCTTTA-3'
Protein context (NP_004420.1, residues 81-101): VRPEQAAACS[Thr91Pro]VLDPNVLVTC

ClinVar aggregate classification (germline): Uncertain significance (1 of 4 stars; one submission).

Conditions:
Craniofrontonasal syndrome (CFNS). Also called: CRANIOFRONTONASAL DYSOSTOSIS. Identifiers: Orphanet 1520, MedGen C0220767, MONDO:0010570, OMIM 304110.

Submission:

Genomic Diagnostic Laboratory, Division of Genomic Diagnostics, Children's Hospital of Philadelphia
Classification: Uncertain significance for Craniofrontonasal dysplasia. Last evaluated: 2016-09-17. Review status: criteria provided, single submitter. Criteria: DGD Variant Analysis Guidelines. Collection method: clinical testing. Allele origin: germline. Affected: yes. Observed: 1 variant allele.
Comment: Clinical Testing